The following is an entry in ClinVar:

NM_001353921.2(ARHGEF9):c.901A>G (p.Ile301Val)

Gene: ARHGEF9 (Cdc42 guanine nucleotide exchange factor 9; minus strand). Cytogenetic location: Xq11.1.
Variant type: single nucleotide variant.
Coding change: c.901A>G on transcript NM_001353921.2 (MANE Select); coding-DNA position 901, A replaced by G.
Protein change: p.Ile301Val; replaces isoleucine 301 with valine.
Molecular consequence: missense variant.
Genome position (GRCh38, 1-based): chrX:63,674,082, T>C on the plus strand (A>G on the coding strand, the complement: ARHGEF9 is on the minus strand). VCF-style: chrX-63674082-T-C. GRCh37 (hg19) VCF-style: chrX-62893962-T-C.
Other names: c.721A>G, p.Ile241Val (NM_001173479.2); c.574A>G, p.Ile192Val (NM_001173480.2, NM_001369042.1); c.817A>G, p.Ile273Val (NM_001330495.2, NM_001353927.2, NM_001369033.1 and 8 more transcripts); c.901A>G, p.Ile301Val (NM_001353922.2); c.919A>G, p.Ile307Val (NM_001353923.1); c.700A>G, p.Ile234Val (NM_001353924.2, NM_001353926.2, NM_001369039.1 and 1 more transcripts); c.880A>G, p.Ile294Val (NM_001353928.2, NM_001369030.1, NM_001369031.1 and 2 more transcripts); c.466A>G, p.Ile156Val (NM_001369045.1); short protein forms I294V, I156V, I192V, I234V, I307V, I301V, I241V, I273V.
Identifiers: ClinVar variation 3650628 (VCV003650628.2).
Genomic context (GRCh38, chrX:63,674,082, plus strand): 5'-TTGGTAAGTTTCCTACCTCCCAGTCTAGGACAGAAGCCTGCCACTGAGCAATCTTGTCAA[T>C]ATTCTCTAAACGTCGCTTGCGTTCGTTGATCTGCTGAGTCACATTTCTCATGACAGCCAA-3'
Protein context (NP_001340850.1, residues 291-311): INERKRRLEN[Ile301Val]DKIAQWQASV

ClinVar aggregate classification (germline): Uncertain significance (1 of 4 stars; one submission).

Conditions:
Developmental and epileptic encephalopathy, 8 (DEE8). Also called: HYPEREKPLEXIA AND EPILEPSY. Identifiers: Orphanet 163985, Orphanet 2076, MedGen C1845102, MONDO:0010375, OMIM 300607.

Submission:

Labcorp Genetics (formerly Invitae), Labcorp
Classification: Uncertain significance for Developmental and epileptic encephalopathy, 8. Last evaluated: 2024-04-22. Review status: criteria provided, single submitter. Criteria: Invitae Variant Classification Sherloc (09022015). Collection method: clinical testing. Allele origin: germline.
Comment: This sequence change replaces isoleucine, which is neutral and non-polar, with valine, which is neutral and non-polar, at codon 294 of the ARHGEF9 protein (p.Ile294Val). This variant is not present in population databases (gnomAD no frequency). This variant has not been reported in the literature in individuals affected with ARHGEF9-related conditions. Advanced modeling of protein sequence and biophysical properties (such as structural, functional, and spatial information, amino acid conservation, physicochemical variation, residue mobility, and thermodynamic stability) has been performed at Invitae for this missense variant, however the output from this modeling did not meet the statistical confidence thresholds required to predict the impact of this variant on ARHGEF9 protein function. In summary, the available evidence is currently insufficient to determine the role of this variant in disease. Therefore, it has been classified as a Variant of Uncertain Significance.